The following is an entry in ClinVar:

NM_024747.6(HPS6):c.1133T>G (p.Leu378Arg)

Gene: HPS6 (HPS6 biogenesis of lysosomal organelles complex 2 subunit 3; plus strand). Cytogenetic location: 10q24.32.
Variant type: single nucleotide variant.
Coding change: c.1133T>G on transcript NM_024747.6 (MANE Select); coding-DNA position 1133, T replaced by G.
Protein change: p.Leu378Arg; replaces leucine 378 with arginine.
Molecular consequence: missense variant.
Genome position (GRCh38, 1-based): chr10:102,066,607, T>G. VCF-style: chr10-102066607-T-G. GRCh37 (hg19) VCF-style: chr10-103826364-T-G.
Other names: short protein forms L378R.
Identifiers: ClinVar variation 4077107 (VCV004077107.1).

ClinVar aggregate classification (germline): Likely pathogenic (1 of 4 stars; one submission).

Conditions:
Hermansky-Pudlak syndrome 6 (HPS6). Identifiers: Orphanet 231512, Orphanet 79430, MedGen C3888007, MONDO:0013558, OMIM 614075.

gnomAD v4.1: 4 of 1,614,050 alleles (0.00025%); highest among the groups gnomAD compares: Non-Finnish European, 0.00034%; no homozygotes.

Submission:

Laboratory of Genetic Epidemiology, Research Centre for Medical Genetics
Classification: Likely pathogenic for Hermansky-Pudlak syndrome 6. Last evaluated: 2025-01-01. Review status: criteria provided, single submitter. Criteria: ACMG Guidelines, 2015. Collection method: clinical testing. Allele origin: biparental. Inheritance: Autosomal recessive inheritance. Affected: yes. Observed: 1 homozygote.
Comment: This variant has not been previously reported in the literature and is not listed in gnomAD v3.1.2. The affected amino acid position is evolutionarily conserved, and multiple in silico prediction tools support a deleterious effect. Taken together, the variant meets the following ACMG/AMP criteria and can be classified as likely pathogenic with PM2, PP3, PM3, PP4 criteria.

Literature cited by the submitters: PubMed 41428507.